The following is an entry in ClinVar:

NM_015512.5(DNAH1):c.3573C>T (p.Asp1191=)

Gene: DNAH1 (dynein axonemal heavy chain 1; plus strand). Cytogenetic location: 3p21.1.
Variant type: single nucleotide variant.
Coding change: c.3573C>T on transcript NM_015512.5 (MANE Select); coding-DNA position 3573, C replaced by T.
Protein change: p.Asp1191=; no amino-acid change (aspartic acid 1191 retained).
Molecular consequence: synonymous variant.
Genome position (GRCh38, 1-based): chr3:52,354,935, C>T. VCF-style: chr3-52354935-C-T. GRCh37 (hg19) VCF-style: chr3-52388951-C-T.
Identifiers: ClinVar variation 478443 (VCV000478443.10), dbSNP rs541334137, ClinGen allele CA2433613.
Genomic context (GRCh38, chr3:52,354,935, plus strand): 5'-CATCCTGTTCAATGTACTGCCCTACAAGGCGACAGACACCTACATCCTGAAGAGCCCGGA[C>T]GAGGCCTCACAGCTGCTGGACGACCACATCGTCATGACCCAGAATATGTCATTTTCACCC-3'
Protein context (NP_056327.4, residues 1181-1201): ATDTYILKSP[Asp1191=]EASQLLDDHI

ClinVar aggregate classification (germline): Likely benign. Review status: criteria provided, single submitter (1 of 4 stars). 2 submissions from 2 submitters: Likely benign (1). 1 of the submissions does not count toward it. Last evaluated 2024-11-05.

Conditions:
Spermatogenic failure 18. Identifiers: MedGen C4539783, MONDO:0054615, OMIM 617576.
Ciliary dyskinesia, primary, 37 (CILD37). Also called: CILIARY DYSKINESIA, PRIMARY, 37, WITH OR WITHOUT SITUS INVERSUS. Identifiers: MedGen C4539798, MONDO:0033204, OMIM 617577.
DNAH1-related disorder. Also called: DNAH1-related condition.

Allele frequency attached by ClinVar (database versions not stated): gnomAD 0.00002; TOPMed 0.00004; gnomAD exomes 0.00006; ExAC 0.00007; 1000 Genomes Project 0.00020; 1000 Genomes Project 30x 0.00031.
gnomAD v4.1: 38 of 1,614,006 alleles (0.0024%); highest among the groups gnomAD compares: South Asian, 0.014%; no homozygotes.

Submissions (2):

Labcorp Genetics (formerly Invitae), Labcorp
Classification: Likely benign for Ciliary dyskinesia, primary, 37; Spermatogenic failure 18. Last evaluated: 2024-11-05. Review status: criteria provided, single submitter. Criteria: Invitae Variant Classification Sherloc (09022015). Collection method: clinical testing. Allele origin: germline.

PreventionGenetics, part of Exact Sciences
Classification: Likely benign for DNAH1-related condition. Last evaluated: 2023-11-03. Review status: no assertion criteria provided. Collection method: clinical testing. Allele origin: germline. Not counted in ClinVar's aggregate classification.
Comment: This variant is classified as likely benign based on ACMG/AMP sequence variant interpretation guidelines (Richards et al. 2015 PMID: 25741868, with internal and published modifications).